The following is an entry in ClinVar:

NM_006514.4(SCN10A):c.2789G>A (p.Ser930Asn)

Genes: SCN10A (sodium voltage-gated channel alpha subunit 10; minus strand), LOC110121288 (VISTA enhancer hs2268; plus strand). Cytogenetic location: 3p22.2.
Variant type: single nucleotide variant.
Coding change: c.2789G>A on transcript NM_006514.4 (MANE Select); coding-DNA position 2789, G replaced by A.
Protein change: p.Ser930Asn; replaces serine 930 with asparagine.
Molecular consequence: missense variant.
Genome position (GRCh38, 1-based): chr3:38,726,904, C>T on the plus strand (G>A on the coding strand, the complement: SCN10A is on the minus strand). VCF-style: chr3-38726904-C-T. GRCh37 (hg19) VCF-style: chr3-38768395-C-T.
Other names: c.2789G>A, p.Ser930Asn (NM_001293306.2); c.2495G>A, p.Ser832Asn (NM_001293307.2); short protein forms S930N, S832N.
Identifiers: ClinVar variation 2497140 (VCV002497140.4), dbSNP rs953629185, ClinGen allele CA72960767.

ClinVar aggregate classification (germline): Uncertain significance. Review status: criteria provided, multiple submitters, no conflicts (2 of 4 stars). 2 submissions from 2 submitters: Uncertain significance (2). Last evaluated 2025-12-16.

Conditions:
Brugada syndrome. Also called: Sudden unexplained nocturnal death syndrome; Sudden Unexplained Death Syndrome; Sudden Unexplained Nocturnal Death Syndrome (SUNDS); Sudden unexpected nocturnal death syndrome. Identifiers: Orphanet 130, MedGen C1142166, MONDO:0015263.
Cardiovascular phenotype. Identifiers: MedGen CN230736.

Submissions (2):

Ambry Genetics
Classification: Uncertain significance for Cardiovascular phenotype. Last evaluated: 2025-12-16. Review status: criteria provided, single submitter. Criteria: Ambry Variant Classification Scheme 2023. Collection method: clinical testing. Allele origin: germline.
Comment: The p.S930N variant (also known as c.2789G>A), located in coding exon 16 of the SCN10A gene, results from a G to A substitution at nucleotide position 2789. The serine at codon 930 is replaced by asparagine, an amino acid with highly similar properties. This amino acid position is conserved. In addition, this alteration is predicted to be tolerated by in silico analysis. Since supporting evidence is limited at this time, the clinical significance of this alteration remains unclear.

Labcorp Genetics (formerly Invitae), Labcorp
Classification: Uncertain significance for Brugada syndrome. Last evaluated: 2025-07-29. Review status: criteria provided, single submitter. Criteria: Invitae Variant Classification Sherloc (09022015). Collection method: clinical testing. Allele origin: germline.
Comment: This sequence change replaces serine, which is neutral and polar, with asparagine, which is neutral and polar, at codon 930 of the SCN10A protein (p.Ser930Asn). This variant is present in population databases (no rsID available, gnomAD 0.0009%). This variant has not been reported in the literature in individuals affected with SCN10A-related conditions. ClinVar contains an entry for this variant (Variation ID: 2497140). Invitae Evidence Modeling of protein sequence and biophysical properties (such as structural, functional, and spatial information, amino acid conservation, physicochemical variation, residue mobility, and thermodynamic stability) indicates that this missense variant is not expected to disrupt SCN10A protein function with a negative predictive value of 95%. In summary, the available evidence is currently insufficient to determine the role of this variant in disease. Therefore, it has been classified as a Variant of Uncertain Significance.